The following is an entry in ClinVar:

NM_000310.4(PPT1):c.290del (p.Gln97fs)

Gene: PPT1 (palmitoyl-protein thioesterase 1; minus strand). Cytogenetic location: 1p34.2.
Variant type: Deletion.
Coding change: c.290del on transcript NM_000310.4 (MANE Select); coding-DNA position 290, one base deleted (A; older notation c.290delA).
Protein change: p.Gln97fs; shifts the reading frame from glutamine 97.
Molecular consequence: frameshift variant. On other transcripts: intron variant (1).
Genome position (GRCh38, 1-based): chr1:40,092,117, T deleted on the plus strand (A on the coding strand, the reverse complement: PPT1 is on the minus strand). VCF-style (leftmost placement, unchanged base first): chr1-40092116-CT-C. GRCh37 (hg19) VCF-style: chr1-40557788-CT-C.
Other names: c.290del, p.Gln97fs (NM_001363695.2); c.125-2605del (NM_001142604.2); short protein forms Q97fs.
Identifiers: ClinVar variation 2813305 (VCV002813305.3), dbSNP rs2523687999, ClinGen allele CA2739272476.
Genomic context (GRCh38, chr1:40,092,116, plus strand): 5'-TCCCTGGGAGAATCCCATAGCATTGTAGCCTTGCTGCAATTTAGGATCCTTAGCAAGTGC[CT>C]GACACACTGTTGTTACTTGGGAATTGACATTCAAGAAGAAGCTGTTCTCCACGTCCTAAA-3'

ClinVar aggregate classification (germline): Pathogenic (1 of 4 stars; one submission).

Conditions:
Neuronal ceroid lipofuscinosis 1 (CLN1). Also called: CEROID LIPOFUSCINOSIS, NEURONAL, 1, VARIABLE AGE AT ONSET; PPT1-Related Neuronal Ceroid-Lipofuscinosis. Identifiers: Orphanet 228329, MedGen C1850451, MONDO:0009744, OMIM 256730.

Submission:

Labcorp Genetics (formerly Invitae), Labcorp
Classification: Pathogenic for Neuronal ceroid lipofuscinosis 1. Last evaluated: 2022-11-10. Review status: criteria provided, single submitter. Criteria: Invitae Variant Classification Sherloc (09022015). Collection method: clinical testing. Allele origin: germline.
Comment: For these reasons, this variant has been classified as Pathogenic. This variant has not been reported in the literature in individuals affected with PPT1-related conditions. This variant is not present in population databases (gnomAD no frequency). This sequence change creates a premature translational stop signal (p.Gln97Argfs*25) in the PPT1 gene. It is expected to result in an absent or disrupted protein product. Loss-of-function variants in PPT1 are known to be pathogenic (PMID: 10679943, 21990111).

Literature cited by the submitters: PubMed 10679943; PubMed 21990111.